The following is an entry in ClinVar:

NM_001375808.2(LPIN2):c.*501T>C

Gene: LPIN2 (lipin 2; minus strand). Cytogenetic location: 18p11.31.
Variant type: single nucleotide variant.
Coding change: c.*501T>C on transcript NM_001375808.2 (MANE Select); 501 bases downstream of the stop codon, T replaced by C.
Molecular consequence: 3 prime UTR variant.
Genome position (GRCh38, 1-based): chr18:2,919,792, A>G on the plus strand (T>C on the coding strand, the complement: LPIN2 is on the minus strand). VCF-style: chr18-2919792-A-G. GRCh37 (hg19) VCF-style: chr18-2919790-A-G.
Other names: c.*501T>C (NM_001375809.1, NM_014646.2).
Identifiers: ClinVar variation 326619 (VCV000326619.9), dbSNP rs35176958, ClinGen allele CA10651469.

ClinVar aggregate classification (germline): Benign/Likely benign. Review status: criteria provided, multiple submitters, no conflicts (2 of 4 stars). 3 submissions from 3 submitters: Benign (2); Likely benign (1). Last evaluated 2018-01-12.

Conditions:
Majeed syndrome (MJDS). Also called: CHRONIC RECURRENT MULTIFOCAL OSTEOMYELITIS 1, WITH CONGENITAL DYSERYTHROPOIETIC ANEMIA, WITH OR WITHOUT NEUTROPHILIC DERMATOSIS; LPIN2-Related Majeed Syndrome. Identifiers: Orphanet 77297, MedGen C1864997, MONDO:0012316, OMIM 609628.
Autoinflammatory syndrome. Identifiers: Orphanet 93665, MedGen C3890737, MONDO:0019751.

Allele frequency attached by ClinVar (database versions not stated): 1000 Genomes Project 0.02236; 1000 Genomes Project 30x 0.02327; TOPMed 0.05233; gnomAD 0.05733 and 0.05856; gnomAD exomes 0.06274.
gnomAD v4.1: 12,209 of 207,914 alleles (5.9%); highest among the groups gnomAD compares: Non-Finnish European, 8.4%; 550 homozygotes.

Submissions (3):

Illumina Laboratory Services, Illumina
Classification: Benign for Majeed syndrome. Last evaluated: 2018-01-12. Review status: criteria provided, single submitter. Criteria: ICSL Variant Classification Criteria 13 December 2019. Collection method: clinical testing. Allele origin: germline.
Comment: This variant was observed in the ICSL laboratory as part of a predisposition screen in an ostensibly healthy population. It had not been previously curated by ICSL or reported in the Human Gene Mutation Database (HGMD: prior to June 1st, 2018), and was therefore a candidate for classification through an automated scoring system. Utilizing variant allele frequency, disease prevalence and penetrance estimates, and inheritance mode, an automated score was calculated to assess if this variant is too frequent to cause the disease. Based on the score and internal cut-off values, a variant classified as benign is not then subjected to further curation. The score for this variant resulted in a classification of benign for this disease.

Genome Diagnostics Laboratory, The Hospital for Sick Children
Classification: Likely benign for Autoinflammatory syndrome. Last evaluated: 2017-01-19. Review status: criteria provided, single submitter. Criteria: ACMG Guidelines, 2015. Collection method: clinical testing. Allele origin: germline. Affected: yes.

Breakthrough Genomics
Classification: Benign. Review status: criteria provided, single submitter. Criteria: ACMG Guidelines, 2015. Collection method: not provided. Allele origin: germline. Inheritance: Unknown mechanism. Affected: yes.